The following is an entry in ClinVar:

ClinVar aggregate classification (germline): Uncertain significance (1 of 4 stars; one submission).

gnomAD v4.1: 15 of 1,612,976 alleles (0.00093%); highest among the groups gnomAD compares: East Asian, 0.0045%; no homozygotes.

Submission:

GeneDx
Classification: Uncertain significance. Last evaluated: 2025-06-15. Review status: criteria provided, single submitter. Criteria: GeneDx Variant Classification Process June 2021. Collection method: clinical testing. Allele origin: germline. Affected: yes.
Comment: In silico analysis suggests that this missense variant does not alter protein structure/function; Has not been previously published as pathogenic or benign to our knowledge

NM_001378183.1(PIEZO2):c.6710G>A (p.Arg2237Gln)

Gene: PIEZO2 (piezo type mechanosensitive ion channel component 2; minus strand). Cytogenetic location: 18p11.22.
Variant type: single nucleotide variant.
Coding change: c.6710G>A on transcript NM_001378183.1 (MANE Select); coding-DNA position 6710, G replaced by A.
Protein change: p.Arg2237Gln; replaces arginine 2237 with glutamine.
Molecular consequence: missense variant.
Genome position (GRCh38, 1-based): chr18:10,697,865, C>T on the plus strand (G>A on the coding strand, the complement: PIEZO2 is on the minus strand). VCF-style: chr18-10697865-C-T. GRCh37 (hg19) VCF-style: chr18-10697863-C-T.
Other names: c.6446G>A, p.Arg2149Gln (NM_001410871.1); c.6371G>A, p.Arg2124Gln (NM_022068.4); short protein forms R2124Q, R2149Q, R2237Q.
Identifiers: ClinVar variation 4537832 (VCV004537832.1).